The following is an entry in ClinVar:

NC_000016.9:g.(?_2546150)_(2550959_?)dup

Gene: TBC1D24 (TBC1 domain family member 24; plus strand). Cytogenetic location: 16p13.3.
Variant type: Duplication.
Identifiers: ClinVar variation 2423962 (VCV002423962.6).

ClinVar aggregate classification (germline): Uncertain significance (1 of 4 stars; one submission).

Conditions:
Developmental and epileptic encephalopathy, 1 (DEE1). Also called: INFANTILE SPASM SYNDROME, X-LINKED 1; X-linked infantile spasms; West's syndrome; Tonic spasms with clustering, arrest of psychomotor development and hypsarrhythmia on EEG; X-Linked Infantile Spasm Syndrome; OHTAHARA SYNDROME, X-LINKED. Identifiers: MedGen C3463992, MONDO:0010632, OMIM 308350. Disease mechanism: loss of function.
Autosomal dominant nonsyndromic hearing loss 65. Also called: Deafness, autosomal dominant 65; TBC1D24-Related Autosomal Dominant Nonsyndromic Hearing Loss (DFNA). Identifiers: Orphanet 90635, MedGen C3892048, MONDO:0014470, OMIM 616044.
Caused by mutation in the TBC1 domain family, member 24.

Submission:

Labcorp Genetics (formerly Invitae), Labcorp
Classification: Uncertain significance for Developmental and epileptic encephalopathy, 1; Autosomal dominant nonsyndromic hearing loss 65. Last evaluated: 2022-10-31. Review status: criteria provided, single submitter. Criteria: Invitae Variant Classification Sherloc (09022015). Collection method: clinical testing. Allele origin: germline.
Comment: A copy number gain of the genomic region encompassing the full coding sequence of the TBC1D24 gene has been identified. The boundaries of this event are unknown as they extend beyond the assayed region for this gene and therefore may encompass additional genes. As the precise location of this event is unknown, it may be in tandem or it may be located elsewhere in the genome. A similar copy number variant has been observed in individual(s) with epilepsy and intellectual disability (PMID: 30866059). Experimental studies and prediction algorithms are not available or were not evaluated, and the functional significance of this variant is currently unknown. In summary, the available evidence is currently insufficient to determine the role of this variant in disease. Therefore, it has been classified as a Variant of Uncertain Significance.

Literature cited by the submitters: PubMed 30866059.